The following is an entry in ClinVar:

NM_024426.6(WT1):c.395C>G (p.Ala132Gly)

Genes: WT1 (WT1 transcription factor; minus strand), LOC107982234 (WT1/WT1-AS bi-directional promoter region; plus strand). Cytogenetic location: 11p13.
Variant type: single nucleotide variant.
Coding change: c.395C>G on transcript NM_024426.6 (MANE Select); coding-DNA position 395, C replaced by G.
Protein change: p.Ala132Gly; replaces alanine 132 with glycine.
Molecular consequence: missense variant. On other transcripts: non-coding transcript variant (2).
Genome position (GRCh38, 1-based): chr11:32,434,966, G>C on the plus strand (C>G on the coding strand, the complement: WT1 is on the minus strand). VCF-style: chr11-32434966-G-C. GRCh37 (hg19) VCF-style: chr11-32456512-G-C.
Other names: c.380C>G (NM_024426.4); c.395C>G, p.Ala132Gly (NM_000378.6, NM_001407044.1, NM_001407045.1 and 6 more transcripts); c.380C>G, p.Ala127Gly (NM_024425.2); short protein forms A127G, A132G.
Identifiers: ClinVar variation 2930851 (VCV002930851.4), dbSNP rs2494481191, ClinGen allele CA379965786.
Genomic context (GRCh38, chr11:32,434,966, plus strand): 5'-CCCCAGCTCGGCTCCTGTTTGATGAAGGAGTGAGGCGGCGGCGGCGGGGGTGGCGGCGGA[G>C]CCGGTGGCGGCGCGGGGCCGCCCAACGACCCGTAAGCCGAAGCGCCCGGGGGCGCAAAGT-3'
Protein context (NP_077744.4, residues 122-142): GSLGGPAPPP[Ala132Gly]PPPPPPPPPH

ClinVar aggregate classification (germline): Uncertain significance. Review status: criteria provided, multiple submitters, no conflicts (2 of 4 stars). 2 submissions from 2 submitters: Uncertain significance (2). Last evaluated 2026-07-06.

Conditions:
Inborn genetic diseases. Identifiers: MedGen C0950123, MeSH D030342.
Drash syndrome (DDS). Also called: NEPHROPATHY, WILMS TUMOR, AND GENITAL ANOMALIES; WILMS TUMOR AND PSEUDO- OR TRUE HERMAPHRODITISM. Identifiers: Orphanet 220, MedGen C0950121, MONDO:0008682, OMIM 194080.
Wilms tumor 1 (WT1). Also called: Wilms tumor, somatic. Identifiers: Orphanet 654, MedGen CN033288, MONDO:0008679, OMIM 194070.
11p partial monosomy syndrome (WAGR). Also called: WAGR Complex; WAGR Spectrum Disorder; CHROMOSOME 11p13 DELETION SYNDROME; WAGR syndrome. Identifiers: Orphanet 893, MedGen C0206115, MONDO:0008681, OMIM 194072.
Frasier syndrome. Identifiers: Orphanet 347, MedGen C0950122, MeSH D052159, MONDO:0007635, OMIM 136680.

Submissions (2):

Ambry Genetics
Classification: Uncertain significance for Inborn genetic diseases. Last evaluated: 2026-07-06. Review status: criteria provided, single submitter. Criteria: Ambry Variant Classification Scheme 2023. Collection method: clinical testing. Allele origin: germline.
Comment: The p.A127G variant (also known as c.380C>G), located in coding exon 1 of the WT1 gene, results from a C to G substitution at nucleotide position 380. The alanine at codon 127 is replaced by glycine, an amino acid with similar properties. This amino acid position is conserved. In addition, this alteration is predicted to be tolerated by in silico analysis. Based on the available evidence, the clinical significance of this variant remains unclear.

Labcorp Genetics (formerly Invitae), Labcorp
Classification: Uncertain significance for Wilms tumor 1; Drash syndrome; 11p partial monosomy syndrome; Frasier syndrome. Last evaluated: 2023-05-12. Review status: criteria provided, single submitter. Criteria: Invitae Variant Classification Sherloc (09022015). Collection method: clinical testing. Allele origin: germline.
Comment: In summary, the available evidence is currently insufficient to determine the role of this variant in disease. Therefore, it has been classified as a Variant of Uncertain Significance. Advanced modeling of protein sequence and biophysical properties (such as structural, functional, and spatial information, amino acid conservation, physicochemical variation, residue mobility, and thermodynamic stability) has been performed at Invitae for this missense variant, however the output from this modeling did not meet the statistical confidence thresholds required to predict the impact of this variant on WT1 protein function. This variant has not been reported in the literature in individuals affected with WT1-related conditions. This variant is not present in population databases (gnomAD no frequency). This sequence change replaces alanine, which is neutral and non-polar, with glycine, which is neutral and non-polar, at codon 127 of the WT1 protein (p.Ala127Gly).